The following is an entry in ClinVar:

NM_012162.4(FBXL6):c.1157T>C (p.Leu386Pro)

Gene: FBXL6 (F-box and leucine rich repeat protein 6; minus strand). Cytogenetic location: 8q24.3.
Variant type: single nucleotide variant.
Coding change: c.1157T>C on transcript NM_012162.4 (MANE Select); coding-DNA position 1157, T replaced by C.
Protein change: p.Leu386Pro; replaces leucine 386 with proline.
Molecular consequence: missense variant.
Genome position (GRCh38, 1-based): chr8:144,356,368, A>G on the plus strand (T>C on the coding strand, the complement: FBXL6 is on the minus strand). VCF-style: chr8-144356368-A-G. GRCh37 (hg19) VCF-style: chr8-145580028-A-G.
Other names: c.1139T>C, p.Leu380Pro (NM_024555.6); short protein forms L380P, L386P.
Identifiers: ClinVar variation 4871933 (VCV004871933.2).

ClinVar aggregate classification (germline): Likely benign (1 of 4 stars; one submission).

gnomAD v4.1: 10,892 of 1,290,672 alleles (0.84%); highest among the groups gnomAD compares: Non-Finnish European, 0.91%; 50 homozygotes.

Submission:

CeGaT Center for Human Genetics Tuebingen
Classification: Likely benign. Last evaluated: 2026-09-01. Review status: criteria provided, single submitter. Criteria: CeGaT Center For Human Genetics Tuebingen Variant Classification Criteria Version 2. Collection method: clinical testing. Allele origin: germline. Affected: yes. Observed: 6 variant alleles.
Comment: FBXL6: BS2